The following is an entry in ClinVar:

ClinVar aggregate classification (germline): Uncertain significance (1 of 4 stars; one submission).

Conditions:
Hereditary cancer-predisposing syndrome. Also called: Neoplastic Syndromes, Hereditary; Tumor predisposition; Hereditary neoplastic syndrome; Hereditary Cancer Syndrome. Identifiers: Orphanet 140162, MedGen C0027672, MeSH D009386, MONDO:0015356.

Allele frequency attached by ClinVar (database versions not stated): gnomAD exomes below 0.00001.

Submission:

Ambry Genetics
Classification: Uncertain significance for Hereditary cancer-predisposing syndrome. Last evaluated: 2023-12-08. Review status: criteria provided, single submitter. Criteria: Ambry Variant Classification Scheme 2023. Collection method: clinical testing. Allele origin: germline.
Comment: The c.2743-5G>C intronic variant results from a G to C substitution 5 nucleotides before coding exon 24 in the TSC2 gene. This nucleotide position is not well conserved in available vertebrate species. In silico splice site analysis predicts that this alteration will not have any significant effect on splicing. Since supporting evidence is limited at this time, the clinical significance of this alteration remains unclear.

NM_000548.5(TSC2):c.2743-5G>C

Gene: TSC2 (TSC complex subunit 2; plus strand). Cytogenetic location: 16p13.3.
Variant type: single nucleotide variant.
Coding change: c.2743-5G>C on transcript NM_000548.5 (MANE Select); 5 bases into the intron before coding-DNA position 2743, G replaced by C.
Molecular consequence: intron variant.
Genome position (GRCh38, 1-based): chr16:2,076,486, G>C. VCF-style: chr16-2076486-G-C. GRCh37 (hg19) VCF-style: chr16-2126487-G-C.
Other names: c.1399-5G>C (NM_001406693.1, NM_001406689.1, NM_001406690.1 and 6 more transcripts); c.2833-5G>C (NM_001406667.1, NM_001406668.1); c.2143-5G>C (NM_001406680.1, NM_001406683.1, NM_001406687.1 and 6 more transcripts); c.1141-5G>C (NM_001406698.1); c.2743-5G>C (NM_001114382.3, NM_001406663.1, NM_001406664.1 and 6 more transcripts); c.2731-5G>C (NM_001406671.1, NM_001406673.1); c.2281-5G>C (NM_001406681.1); c.2632-5G>C (NM_001406670.1, NM_001318827.2, NM_001406678.1); and 3 more.
Identifiers: ClinVar variation 3232123 (VCV003232123.1), dbSNP rs2089398808, ClinGen allele CA2631133197.
Genomic context (GRCh38, chr16:2,076,486, plus strand): 5'-GGCCTGGTGAGGGCCTCCAGCCCCCATTGCCACCCCTCACTGTCTGGGTGTGCTCACTCT[G>C]CCAGGGCCTGCGGTCCAATGTCCTCTTGTCTTTTGATGACACCCCCGAGAAGGACAGCTT-3'